The following is an entry in ClinVar:

ClinVar aggregate classification (germline): Conflicting classifications of pathogenicity. Review status: criteria provided, conflicting classifications (1 of 4 stars). 7 submissions from 7 submitters: Uncertain significance (2); Benign (1); Likely benign (2). 2 of the submissions do not count toward it. Last evaluated 2026-01-16.

Conditions:
Muscular dystrophy-dystroglycanopathy (congenital with brain and eye anomalies), type A3. Also called: Congenital muscular dystrophy-dystroglycanopathy with brain and eye anomalies, type A3; Muscular dystrophy-dystroglycanopathy (congenital with brain and eye anomalies), type A, 3; WALKER-WARBURG SYNDROME OR MUSCLE-EYE-BRAIN DISEASE, POMGNT1-RELATED. Identifiers: MedGen C3151519, MONDO:0009667, OMIM 253280.
Muscle eye brain disease (MEB). Also called: Santavuori congenital muscular dystrophy. Identifiers: Orphanet 588, Orphanet 899, MedGen C0457133, MONDO:0018939.
POMGNT1-related disorder. Also called: POMGNT1-related disorders; POMGNT1-related condition. Identifiers: MedGen CN239299.
Autosomal recessive limb-girdle muscular dystrophy type 2O. Also called: Limb-Girdle Muscular Dystrophy Type 3C; MUSCULAR DYSTROPHY-DYSTROGLYCANOPATHY (LIMB-GIRDLE), TYPE C, 3; MUSCULAR DYSTROPHY-DYSTROGLYCANOPATHY, LIMB-GIRDLE, POMGNT1-RELATED. Identifiers: Orphanet 206564, MedGen C3150417, MONDO:0013161, OMIM 613157.
Muscular dystrophy-dystroglycanopathy (congenital with impaired intellectual development), type B, 3. Also called: Muscular dystrophy-dystroglycanopathy (congenital with intellectual disability), type B3; MUSCULAR DYSTROPHY, CONGENITAL, POMGNT1-RELATED. Identifiers: MedGen C3150412, MONDO:0013155, OMIM 613151.

Allele frequency attached by ClinVar (database versions not stated): ExAC 0.00022; gnomAD 0.00001 and 0.00008; gnomAD exomes 0.00021 and 0.00020; TOPMed 0.00003; ESP Exome Variant Server 0.00008; 1000 Genomes Project 30x 0.00016.
gnomAD v4.1: 298 of 1,613,434 alleles (0.018%); highest among the groups gnomAD compares: South Asian, 0.16%; no homozygotes.

Submissions (7):

Labcorp Genetics (formerly Invitae), Labcorp
Classification: Likely benign for Autosomal recessive limb-girdle muscular dystrophy type 2O; Muscular dystrophy-dystroglycanopathy (congenital with impaired intellectual development), type B, 3. Last evaluated: 2026-01-16. Review status: criteria provided, single submitter. Criteria: Invitae Variant Classification Sherloc (09022015). Collection method: clinical testing. Allele origin: germline.

Blueprint Genetics
Classification: Likely benign. Last evaluated: 2024-11-19. Review status: criteria provided, single submitter. Criteria: ACMG Guidelines, 2015. Collection method: clinical testing. Allele origin: germline.

Pars Genome Lab
Classification: Uncertain significance for Muscular dystrophy-dystroglycanopathy (congenital with brain and eye anomalies), type A3. Last evaluated: 2021-05-18. Review status: criteria provided, single submitter. Criteria: ACMG Guidelines, 2015. Collection method: clinical testing. Allele origin: germline. Affected: no.

Athena Diagnostics
Classification: Benign. Last evaluated: 2019-10-09. Review status: criteria provided, single submitter. Criteria: Athena Diagnostics Criteria. Collection method: clinical testing. Allele origin: unknown.

Eurofins Ntd Llc (ga)
Classification: Uncertain significance. Last evaluated: 2018-06-13. Review status: criteria provided, single submitter. Criteria: EGL ClinVar v180209 classification definitions. Collection method: clinical testing. Allele origin: germline. Observed: 2 variant alleles, 2 heterozygotes.

PreventionGenetics, part of Exact Sciences
Classification: Likely benign for POMGNT1-related condition. Last evaluated: 2022-03-18. Review status: no assertion criteria provided. Collection method: clinical testing. Allele origin: germline. Not counted in ClinVar's aggregate classification.
Comment: This variant is classified as likely benign based on ACMG/AMP sequence variant interpretation guidelines (Richards et al. 2015 PMID: 25741868, with internal and published modifications).

Natera, Inc.
Classification: Likely benign for Muscle-eye-brain disease. Last evaluated: 2020-12-21. Review status: no assertion criteria provided. Collection method: clinical testing. Allele origin: germline. Not counted in ClinVar's aggregate classification.

NM_017739.4(POMGNT1):c.1596T>C (p.Asn532=)

Genes: POMGNT1 (protein O-linked mannose N-acetylglucosaminyltransferase 1 (beta 1,2-); minus strand), TSPAN1 (tetraspanin 1; plus strand). Cytogenetic location: 1p34.1.
Variant type: single nucleotide variant.
Coding change: c.1596T>C on transcript NM_017739.4 (MANE Select); coding-DNA position 1596, T replaced by C.
Protein change: p.Asn532=; no amino-acid change (asparagine 532 retained).
Molecular consequence: synonymous variant.
Genome position (GRCh38, 1-based): chr1:46,190,728, A>G on the plus strand (T>C on the coding strand, the complement: POMGNT1 is on the minus strand). VCF-style: chr1-46190728-A-G. GRCh37 (hg19) VCF-style: chr1-46656400-A-G.
Other names: c.1596T>C (NM_001243766.1); c.1596T>C, p.Asn532= (NM_001243766.2, NM_001410783.1); c.1530T>C, p.Asn510= (NM_001290129.3); c.1167T>C, p.Asn389= (NM_001290130.2).
Identifiers: ClinVar variation 502236 (VCV000502236.20), dbSNP rs200730202, ClinGen allele CA833311.